The following is an entry in ClinVar:

NM_031433.4(MFRP):c.1090_1091del (p.Thr364fs)

Genes: C1QTNF5 (C1q and TNF related 5; minus strand), MFRP (membrane frizzled-related protein; minus strand). Cytogenetic location: 11q23.3.
Variant type: Deletion.
Coding change: c.1090_1091del on transcript NM_031433.4 (MANE Select); coding-DNA positions 1090 to 1091, 2 bases deleted (AC; older notation c.1090_1091delAC).
Protein change: p.Thr364fs; shifts the reading frame from threonine 364.
Molecular consequence: frameshift variant. On other transcripts: 5 prime UTR variant (1).
Genome position (GRCh38, 1-based): chr11:119,343,849-119,343,850, GT deleted on the plus strand (AC on the coding strand, the reverse complement: MFRP is on the minus strand). VCF-style (leftmost placement, unchanged base first): chr11-119343848-GGT-G. GRCh37 (hg19) VCF-style: chr11-119214558-GGT-G.
Other names: c.-1547_-1546del (NM_015645.5); short protein forms T364fs.
Identifiers: ClinVar variation 1071727 (VCV001071727.10), dbSNP rs763385432, ClinGen allele CA6320261.

ClinVar aggregate classification (germline): Pathogenic. Review status: criteria provided, multiple submitters, no conflicts (2 of 4 stars). 3 submissions from 3 submitters: Pathogenic (3). Last evaluated 2023-10-04.

Conditions:
MFRP-related disorder. Also called: MFRP-related condition; MFRP-related disorders.
Isolated microphthalmia 5. Also called: Posterior Microphthalmia with Retinitis Pigmentosa, Foveoschisis, and Optic Disc Drusen. Identifiers: Orphanet 251279, MedGen C1970236, MONDO:0012605, OMIM 611040.
Nanophthalmos 2 (NNO2). Also called: NANOPHTHALMIA 2; NANOPHTHALMOS, AUTOSOMAL RECESSIVE. Identifiers: Orphanet 35612, MedGen C1836006, MONDO:0012299, OMIM 609549.

Allele frequency attached by ClinVar (database versions not stated): gnomAD 0.00003 and 0.00002; TOPMed 0.00003; ExAC 0.00009; gnomAD exomes 0.00005 and 0.00003.

Submissions (3):

Labcorp Genetics (formerly Invitae), Labcorp
Classification: Pathogenic for Isolated microphthalmia 5. Last evaluated: 2023-10-04. Review status: criteria provided, single submitter. Criteria: Invitae Variant Classification Sherloc (09022015). Collection method: clinical testing. Allele origin: germline.
Comment: This sequence change creates a premature translational stop signal (p.Thr364Glnfs*27) in the MFRP gene. It is expected to result in an absent or disrupted protein product. Loss-of-function variants in MFRP are known to be pathogenic (PMID: 12140190, 15976030, 20361016). This variant is present in population databases (rs763385432, gnomAD 0.01%). This variant has not been reported in the literature in individuals affected with MFRP-related conditions. ClinVar contains an entry for this variant (Variation ID: 1071727). For these reasons, this variant has been classified as Pathogenic.

Blueprint Genetics
Classification: Pathogenic for MFRP-related disorders. Last evaluated: 2023-02-01. Review status: criteria provided, single submitter. Criteria: ACMG Guidelines, 2015. Collection method: clinical testing. Allele origin: germline. Affected: yes. Observed: 5 variant alleles.

Fulgent Genetics
Classification: Pathogenic for Nanophthalmos 2; Isolated microphthalmia 5. Last evaluated: 2022-01-07. Review status: criteria provided, single submitter. Criteria: ACMG Guidelines, 2015. Collection method: clinical testing. Allele origin: unknown.

Literature cited by the submitters: PubMed 12140190 (cited by Labcorp Genetics (formerly Invitae), Labcorp); PubMed 15976030 (cited by Labcorp Genetics (formerly Invitae), Labcorp); PubMed 20361016 (cited by Labcorp Genetics (formerly Invitae), Labcorp).